The following is an entry in ClinVar:

NM_014140.4(SMARCAL1):c.1146_1147+2del

Gene: SMARCAL1 (SNF2 related chromatin remodeling annealing helicase 1; plus strand). Cytogenetic location: 2q35.
Variant type: Deletion.
Coding change: c.1146_1147+2del on transcript NM_014140.4 (MANE Select); coding-DNA position 1146 through the canonical splice donor site of the intron after coding-DNA position 1147, 4 bases deleted (AAGT; older notation c.1146_1147+2delAAGT).
Molecular consequence: splice donor variant.
Genome position (GRCh38, 1-based): chr2:216,423,682-216,423,685, AAGT deleted; deleting any 4 consecutive bases within chr2:216,423,681-216,423,685 gives the same sequence; the c. name uses the placement nearest the transcript's 3' end. VCF-style (leftmost placement, unchanged base first): chr2-216423680-CTAAG-C. GRCh37 (hg19) VCF-style: chr2-217288403-CTAAG-C.
Other names: c.1146_1147+2del (NM_001127207.2).
Identifiers: ClinVar variation 827736 (VCV000827736.9), dbSNP rs1574450161, ClinGen allele CA915941700.

ClinVar aggregate classification (germline): Pathogenic/Likely pathogenic. Review status: criteria provided, multiple submitters, no conflicts (2 of 4 stars). 5 submissions from 5 submitters: Pathogenic (1); Likely pathogenic (3). 1 of the submissions does not count toward it. Last evaluated 2023-11-20.

Conditions:
SMARCAL1-related disorder. Also called: SMARCAL1-related condition.
Inherited Immunodeficiency Diseases. Identifiers: MedGen C5197805, MeSH D000081207.
Schimke immuno-osseous dysplasia (SIOD). Also called: Schimke Immunoosseous Dysplasia. Identifiers: Orphanet 1830, MedGen C0877024, MONDO:0009458, OMIM 242900.

Submissions (5):

Labcorp Genetics (formerly Invitae), Labcorp
Classification: Likely pathogenic for Schimke immuno-osseous dysplasia. Last evaluated: 2023-11-20. Review status: criteria provided, single submitter. Criteria: Invitae Variant Classification Sherloc (09022015). Collection method: clinical testing. Allele origin: germline.
Comment: This variant results in the deletion of part of exon 6 (c.1146_1147+2del) of the SMARCAL1 gene. It is expected to disrupt RNA splicing. Variants that disrupt the donor or acceptor splice site typically lead to a loss of protein function (PMID: 16199547), and loss-of-function variants in SMARCAL1 are known to be pathogenic (PMID: 11799392, 20301550). This variant is not present in population databases (gnomAD no frequency). This variant has been observed in individual(s) with Schimke immunoosseous dysplasia (PMID: 15523612, 32499645). ClinVar contains an entry for this variant (Variation ID: 827736). In summary, the currently available evidence indicates that the variant is pathogenic, but additional data are needed to prove that conclusively. Therefore, this variant has been classified as Likely Pathogenic.

Fulgent Genetics
Classification: Pathogenic for Schimke immuno-osseous dysplasia. Last evaluated: 2021-09-17. Review status: criteria provided, single submitter. Criteria: ACMG Guidelines, 2015. Collection method: clinical testing. Allele origin: unknown.

Blueprint Genetics
Classification: Likely pathogenic for SMARCAL1-related disorders. Last evaluated: 2021-08-17. Review status: criteria provided, single submitter. Criteria: ACMG Guidelines, 2015. Collection method: clinical testing. Allele origin: germline. Affected: yes. Observed: 1 variant allele.

NIHR Bioresource Rare Diseases, University of Cambridge
Classification: Likely pathogenic for Inherited Immunodeficiency Diseases. Last evaluated: 2019-01-01. Review status: criteria provided, single submitter. Criteria: ACMG Guidelines, 2015. Collection method: research. Allele origin: germline. Affected: yes. Observed: 1 heterozygote.

OMIM
Classification: Pathogenic for SCHIMKE IMMUNOOSSEOUS DYSPLASIA. Last evaluated: 2004-12-01. Review status: no assertion criteria provided. Collection method: literature only. Allele origin: germline. Not counted in ClinVar's aggregate classification.

Literature cited by the submitters: PubMed 16199547 (cited by Labcorp Genetics (formerly Invitae), Labcorp); PubMed 11799392 (cited by Labcorp Genetics (formerly Invitae), Labcorp); PubMed 20301550 (cited by Labcorp Genetics (formerly Invitae), Labcorp); PubMed 15523612 (cited by Labcorp Genetics (formerly Invitae), Labcorp and OMIM); PubMed 32499645 (cited by Labcorp Genetics (formerly Invitae), Labcorp).